The following is an entry in ClinVar:

NM_000051.4(ATM):c.5985A>G (p.Glu1995=)

Genes: ATM (ATM serine/threonine kinase; plus strand), C11orf65 (chromosome 11 open reading frame 65; minus strand). Cytogenetic location: 11q22.3.
Variant type: single nucleotide variant.
Coding change: c.5985A>G on transcript NM_000051.4 (MANE Select); coding-DNA position 5985, A replaced by G.
Protein change: p.Glu1995=; no amino-acid change (glutamic acid 1995 retained).
Molecular consequence: synonymous variant. On other transcripts: intron variant (2).
Genome position (GRCh38, 1-based): chr11:108,312,477, A>G. VCF-style: chr11-108312477-A-G. GRCh37 (hg19) VCF-style: chr11-108183204-A-G.
Other names: c.5985A>G, p.Glu1995= (NM_001351834.2); c.641-3406T>C (NM_001330368.2); c.*39-3406T>C (NM_001351110.2).
Identifiers: ClinVar variation 1120852 (VCV001120852.50), dbSNP rs2084252730, ClinGen allele CA476675558.
Genomic context (GRCh38, chr11:108,312,477, plus strand): 5'-TGCATTTGAAGAAGGAAGCCAGAGTACAACTATTTCTAGCTTGAGTGAAAAAAGTAAAGA[A>G]GAAACTGGAATAAGTTTACAGGTAAATATTAGAGGCTCTATTATTTATGACAGTATTTAT-3'
Protein context (NP_000042.3, residues 1985-2005): TISSLSEKSK[Glu1995=]ETGISLQDLL

ClinVar aggregate classification (germline): Benign/Likely benign. Review status: criteria provided, multiple submitters, no conflicts (2 of 4 stars). 3 submissions from 3 submitters: Benign (1); Likely benign (2). Last evaluated 2024-12-15.

Conditions:
Ataxia-telangiectasia syndrome (AT). Also called: Ataxia telangiectasia (A-T); ATAXIA-TELANGIECTASIA, COMPLEMENTATION GROUP A; ATAXIA-TELANGIECTASIA, FRESNO VARIANT; Ataxia-telangiectasia; Ataxia-telangiectasia, complementation group E; LOUIS-BAR SYNDROME. Identifiers: Orphanet 100, MedGen C0004135, MONDO:0008840, OMIM 208900.
Hereditary cancer-predisposing syndrome. Also called: Neoplastic Syndromes, Hereditary; Tumor predisposition; Hereditary Cancer Syndrome; Hereditary neoplastic syndrome. Identifiers: Orphanet 140162, MedGen C0027672, MeSH D009386, MONDO:0015356.
Familial cancer of breast. Also called: Hereditary breast cancer; hereditary breast carcinoma; BREAST CANCER, FAMILIAL. Identifiers: Orphanet 227535, MedGen C0346153, MONDO:0016419, OMIM 114480. Disease mechanism: loss of function.

Allele frequency attached by ClinVar (database versions not stated): TOPMed below 0.00001.

Submissions (3):

Labcorp Genetics (formerly Invitae), Labcorp
Classification: Likely benign for Ataxia-telangiectasia syndrome. Last evaluated: 2024-12-15. Review status: criteria provided, single submitter. Criteria: Invitae Variant Classification Sherloc (09022015). Collection method: clinical testing. Allele origin: germline.

Myriad Genetics, Inc.
Classification: Benign for Familial cancer of breast. Last evaluated: 2024-05-28. Review status: criteria provided, single submitter. Criteria: Myriad Autosomal Dominant, Autosomal Recessive and X-Linked Classification Criteria (2023). Collection method: clinical testing. Allele origin: unknown.
Comment: This variant is considered benign. This variant is a silent/synonymous amino acid change and it is not expected to impact splicing.

Ambry Genetics
Classification: Likely benign for Hereditary cancer-predisposing syndrome. Last evaluated: 2020-02-27. Review status: criteria provided, single submitter. Criteria: Ambry Variant Classification Scheme 2023. Collection method: clinical testing. Allele origin: germline.